The following is an entry in ClinVar:

NM_001159.4(AOX1):c.3954G>A (p.Lys1318=)

Gene: AOX1 (aldehyde oxidase 1; plus strand). Cytogenetic location: 2q33.1.
Variant type: single nucleotide variant.
Coding change: c.3954G>A on transcript NM_001159.4 (MANE Select); coding-DNA position 3954, G replaced by A.
Protein change: p.Lys1318=; no amino-acid change (lysine 1318 retained).
Molecular consequence: synonymous variant.
Genome position (GRCh38, 1-based): chr2:200,669,730, G>A. VCF-style: chr2-200669730-G-A. GRCh37 (hg19) VCF-style: chr2-201534453-G-A.
Identifiers: ClinVar variation 3341537 (VCV003341537.16).
Genomic context (GRCh38, chr2:200,669,730, plus strand): 5'-ACCCTTGACCCTTAATAGTCCACTGACCCCGGAGAAGATTAGGATGGCCTGTGAAGACAA[G>A]TTCACAAAAATGGTACGTTTGCATGGTAGAAAAAAAATAGTGATCATAAAATTCTGAATT-3'
Protein context (NP_001150.3, residues 1308-1328): PEKIRMACED[Lys1318=]FTKMIPRDEP

ClinVar aggregate classification (germline): Likely benign (1 of 4 stars; one submission).

gnomAD v4.1: 8 of 1,610,404 alleles (0.0005%); highest among the groups gnomAD compares: Admixed American, 0.0017%; no homozygotes.

Submission:

CeGaT Center for Human Genetics Tuebingen
Classification: Likely benign. Last evaluated: 2024-08-01. Review status: criteria provided, single submitter. Criteria: CeGaT Center For Human Genetics Tuebingen Variant Classification Criteria Version 2. Collection method: clinical testing. Allele origin: germline. Affected: yes. Observed: 1 variant allele.
Comment: AOX1: BP4, BP7